The following is an entry in ClinVar:

NM_139027.6(ADAMTS13):c.1392C>T (p.Gly464=)

Gene: ADAMTS13 (ADAM metallopeptidase with thrombospondin type 1 motif 13; plus strand). Cytogenetic location: 9q34.2.
Variant type: single nucleotide variant.
Coding change: c.1392C>T on transcript NM_139027.6 (MANE Select); coding-DNA position 1392, C replaced by T.
Protein change: p.Gly464=; no amino-acid change (glycine 464 retained).
Molecular consequence: synonymous variant.
Genome position (GRCh38, 1-based): chr9:133,436,912, C>T. VCF-style: chr9-133436912-C-T. GRCh37 (hg19) VCF-style: chr9-136302032-C-T.
Other names: c.1392C>T, p.Gly464= (NM_139025.5); c.1299C>T, p.Gly433= (NM_139026.6).
Identifiers: ClinVar variation 912679 (VCV000912679.9), dbSNP rs782239711, ClinGen allele CA200929700.
Genomic context (GRCh38, chr9:133,436,912, plus strand): 5'-GTTCATGTCGCAACAGTGCGCCAGGACCGACGGCCAGCCGCTGCGCTCCTCCCCTGGCGG[C>T]GCCTCCTTCTACCACTGGGGTGCTGCTGTACCACACAGCCAAGGTGGGGCCTGCGGAGTG-3'
Protein context (NP_620596.2, residues 454-474): DGQPLRSSPG[Gly464=]ASFYHWGAAV

ClinVar aggregate classification (germline): Conflicting classifications of pathogenicity. Review status: criteria provided, conflicting classifications (1 of 4 stars). 3 submissions from 3 submitters: Uncertain significance (1); Likely benign (2). Last evaluated 2026-02-27.

Conditions:
ADAMTS13-related disorder. Also called: ADAMTS13-related condition.
Upshaw-Schulman syndrome (TTP). Also called: THROMBOTIC THROMBOCYTOPENIC PURPURA, HEREDITARY; Congenital thrombotic thrombocytopenic purpura. Identifiers: Orphanet 93583, MedGen C1268935, MONDO:0010122, OMIM 274150.

Allele frequency attached by ClinVar (database versions not stated): ExAC below 0.00001; gnomAD exomes 0.00001; TOPMed 0.00001; gnomAD 0.00002 and 0.00003.
gnomAD v4.1: 26 of 1,589,562 alleles (0.0016%); highest among the groups gnomAD compares: East Asian, 0.0091%; no homozygotes.

Submissions (3):

PreventionGenetics, part of Exact Sciences
Classification: Likely benign for ADAMTS13-related condition. Last evaluated: 2026-02-27. Review status: criteria provided, single submitter. Criteria: ACMG Guidelines, 2015. Collection method: clinical testing. Allele origin: germline.
Comment: This variant is classified as likely benign based on ACMG/AMP sequence variant interpretation guidelines (Richards et al. 2015 PMID: 25741868, with internal and published modifications).

Labcorp Genetics (formerly Invitae), Labcorp
Classification: Likely benign. Last evaluated: 2023-10-30. Review status: criteria provided, single submitter. Criteria: Invitae Variant Classification Sherloc (09022015). Collection method: clinical testing. Allele origin: germline.

Illumina Laboratory Services, Illumina
Classification: Uncertain significance for Upshaw-Schulman syndrome. Last evaluated: 2018-01-12. Review status: criteria provided, single submitter. Criteria: ICSL Variant Classification Criteria 13 December 2019. Collection method: clinical testing. Allele origin: germline.